The following is an entry in ClinVar:

NM_178822.5(IGSF10):c.5990C>T (p.Pro1997Leu)

Gene: IGSF10 (immunoglobulin superfamily member 10; minus strand). Cytogenetic location: 3q25.1.
Variant type: single nucleotide variant.
Coding change: c.5990C>T on transcript NM_178822.5 (MANE Select); coding-DNA position 5990, C replaced by T.
Protein change: p.Pro1997Leu; replaces proline 1997 with leucine.
Molecular consequence: missense variant. On other transcripts: 5 prime UTR variant (2).
Genome position (GRCh38, 1-based): chr3:151,438,571, G>A on the plus strand (C>T on the coding strand, the complement: IGSF10 is on the minus strand). VCF-style: chr3-151438571-G-A. GRCh37 (hg19) VCF-style: chr3-151156359-G-A.
Other names: c.-74C>T (NM_001178145.3, NM_001178146.3); c.5990C>T, p.Pro1997Leu (NM_001385060.1, NM_001385061.1, NM_001385062.1 and 1 more transcripts); short protein forms P1997L.
Identifiers: ClinVar variation 2722210 (VCV002722210.3), dbSNP rs199577194, ClinGen allele CA2669607.
Genomic context (GRCh38, chr3:151,438,571, plus strand): 5'-ACACACAAGTAGACACCACTGTCTTTTTCTGTTACTGATCCAATAAACAGGGATCCATTA[G>A]GGTAGACGTGGATCCAGCTGCCCACTCTAAGGAGAAAAGAGATTCATTTGAGTGTGCAGC-3'
Protein context (NP_849144.2, residues 1987-2007): HRVGSWIHVY[Pro1997Leu]NGSLFIGSVT

ClinVar aggregate classification (germline): Uncertain significance (1 of 4 stars; one submission).

Allele frequency attached by ClinVar (database versions not stated): gnomAD 0.00001; gnomAD exomes 0.00001; ExAC 0.00002; TOPMed 0.00002.

Submission:

Labcorp Genetics (formerly Invitae), Labcorp
Classification: Uncertain significance. Last evaluated: 2023-12-11. Review status: criteria provided, single submitter. Criteria: Invitae Variant Classification Sherloc (09022015). Collection method: clinical testing. Allele origin: germline.
Comment: This sequence change replaces proline, which is neutral and non-polar, with leucine, which is neutral and non-polar, at codon 1997 of the IGSF10 protein (p.Pro1997Leu). This variant is present in population databases (rs199577194, gnomAD 0.002%). This variant has not been reported in the literature in individuals affected with IGSF10-related conditions. An algorithm developed to predict the effect of missense changes on protein structure and function (PolyPhen-2) suggests that this variant is likely to be disruptive. In summary, the available evidence is currently insufficient to determine the role of this variant in disease. Therefore, it has been classified as a Variant of Uncertain Significance.